The following is an entry in ClinVar:

ClinVar aggregate classification (germline): Uncertain significance. Review status: criteria provided, multiple submitters, no conflicts (2 of 4 stars). 2 submissions from 2 submitters: Uncertain significance (2). Last evaluated 2024-06-18.

Conditions:
Autosomal systemic lupus erythematosus type 16. Also called: Systemic lupus erythematosus 16. Identifiers: Orphanet 300345, MedGen C3280742, MONDO:0013743, OMIM 614420.

Allele frequency attached by ClinVar (database versions not stated): gnomAD exomes 0.00003 and 0.00012; ExAC 0.00010; gnomAD 0.00021 and 0.00025; ESP Exome Variant Server 0.00023; TOPMed 0.00025; 1000 Genomes Project 0.00040; 1000 Genomes Project 30x 0.00047.

Submissions (2):

Fulgent Genetics
Classification: Uncertain significance for Autosomal systemic lupus erythematosus type 16. Last evaluated: 2024-06-18. Review status: criteria provided, single submitter. Criteria: ACMG Guidelines, 2015. Collection method: clinical testing. Allele origin: germline.

Labcorp Genetics (formerly Invitae), Labcorp
Classification: Uncertain significance. Last evaluated: 2022-06-20. Review status: criteria provided, single submitter. Criteria: Invitae Variant Classification Sherloc (09022015). Collection method: clinical testing. Allele origin: germline.
Comment: This sequence change replaces arginine, which is basic and polar, with lysine, which is basic and polar, at codon 285 of the DNASE1L3 protein (p.Arg285Lys). This variant is present in population databases (rs151161986, gnomAD 0.08%). This variant has not been reported in the literature in individuals affected with DNASE1L3-related conditions. Algorithms developed to predict the effect of missense changes on protein structure and function output the following: SIFT: "Tolerated"; PolyPhen-2: "Benign"; Align-GVGD: "Class C0". The lysine amino acid residue is found in multiple mammalian species, which suggests that this missense change does not adversely affect protein function. Experimental studies have shown that this missense change does not substantially affect DNASE1L3 function (PMID: 24206041). In summary, the available evidence is currently insufficient to determine the role of this variant in disease. Therefore, it has been classified as a Variant of Uncertain Significance.

Literature cited by the submitters: PubMed 24206041 (cited by Labcorp Genetics (formerly Invitae), Labcorp).

NM_004944.4(DNASE1L3):c.854G>A (p.Arg285Lys)

Gene: DNASE1L3 (deoxyribonuclease 1L3; minus strand). Cytogenetic location: 3p14.3.
Variant type: single nucleotide variant.
Coding change: c.854G>A on transcript NM_004944.4 (MANE Select); coding-DNA position 854, G replaced by A.
Protein change: p.Arg285Lys; replaces arginine 285 with lysine.
Molecular consequence: missense variant.
Genome position (GRCh38, 1-based): chr3:58,192,751, C>T on the plus strand (G>A on the coding strand, the complement: DNASE1L3 is on the minus strand). VCF-style: chr3-58192751-C-T. GRCh37 (hg19) VCF-style: chr3-58178478-C-T.
Other names: c.764G>A, p.Arg255Lys (NM_001256560.2); short protein forms R255K, R285K.
Identifiers: ClinVar variation 1355726 (VCV001355726.8), dbSNP rs151161986, ClinGen allele CA2469815.